The following is an entry in ClinVar:

ClinVar aggregate classification (germline): Uncertain significance (1 of 4 stars; one submission).

Allele frequency attached by ClinVar (database versions not stated): gnomAD exomes 0.00001.
gnomAD v4.1: 13 of 1,613,922 alleles (0.00081%); highest among the groups gnomAD compares: Non-Finnish European, 0.0011%; no homozygotes.

Submission:

Labcorp Genetics (formerly Invitae), Labcorp
Classification: Uncertain significance. Last evaluated: 2024-02-16. Review status: criteria provided, single submitter. Criteria: Invitae Variant Classification Sherloc (09022015). Collection method: clinical testing. Allele origin: germline.
Comment: This sequence change falls in intron 39 of the FLNB gene. It does not directly change the encoded amino acid sequence of the FLNB protein. It affects a nucleotide within the consensus splice site. This variant is present in population databases (no rsID available, gnomAD 0.002%). This variant has not been reported in the literature in individuals affected with FLNB-related conditions. ClinVar contains an entry for this variant (Variation ID: 1991795). Variants that disrupt the consensus splice site are a relatively common cause of aberrant splicing (PMID: 17576681, 9536098). Algorithms developed to predict the effect of sequence changes on RNA splicing suggest that this variant is not likely to affect RNA splicing. In summary, the available evidence is currently insufficient to determine the role of this variant in disease. Therefore, it has been classified as a Variant of Uncertain Significance.

Literature cited by the submitters: PubMed 17576681; PubMed 9536098.

NM_001457.4(FLNB):c.6635-3C>T

Gene: FLNB (filamin B; plus strand). Cytogenetic location: 3p14.3.
Variant type: single nucleotide variant.
Coding change: c.6635-3C>T on transcript NM_001457.4 (MANE Select); 3 bases into the intron before coding-DNA position 6635, C replaced by T.
Molecular consequence: intron variant.
Genome position (GRCh38, 1-based): chr3:58,154,788, C>T. VCF-style: chr3-58154788-C-T. GRCh37 (hg19) VCF-style: chr3-58140515-C-T.
Other names: c.6728-3C>T (NM_001164317.2); c.6602-3C>T (NM_001164318.2); c.6563-3C>T (NM_001164319.2).
Identifiers: ClinVar variation 1991795 (VCV001991795.4), dbSNP rs980492661, ClinGen allele CA75477052.